The following is an entry in ClinVar:

ClinVar aggregate classification (germline): Conflicting classifications of pathogenicity. Review status: criteria provided, conflicting classifications (1 of 4 stars). 8 submissions from 8 submitters: Uncertain significance (7); Benign (1). Last evaluated 2025-11-25.

Conditions:
Lynch syndrome. Identifiers: Orphanet 144, MedGen C4552100, MONDO:0005835. Disease mechanism: loss of function.
Hereditary nonpolyposis colorectal neoplasms. Identifiers: MedGen C0009405, MeSH D003123.
Hereditary cancer-predisposing syndrome. Also called: Neoplastic Syndromes, Hereditary; Tumor predisposition; Hereditary Cancer Syndrome; Hereditary neoplastic syndrome. Identifiers: Orphanet 140162, MedGen C0027672, MeSH D009386, MONDO:0015356.
Mismatch repair cancer syndrome 3. Identifiers: MedGen C5436807, MONDO:0030841, OMIM 619097.
Endometrial carcinoma. Also called: Endometrial carcinoma, somatic. Identifiers: MedGen C0476089, MONDO:0002447, OMIM 608089, HP:0012114.
Lynch syndrome 5 (LYNCH5). Also called: Colorectal cancer, hereditary nonpolyposis, type 5; Hereditary non-polyposis colorectal cancer, type 5. Identifiers: Orphanet 144, MedGen C1833477, MONDO:0013710, OMIM 614350. Disease mechanism: loss of function.

Submissions (8):

Labcorp Genetics (formerly Invitae), Labcorp
Classification: Benign for Hereditary nonpolyposis colorectal neoplasms. Last evaluated: 2025-11-25. Review status: criteria provided, single submitter. Criteria: Invitae Variant Classification Sherloc (09022015). Collection method: clinical testing. Allele origin: germline.

Ambry Genetics
Classification: Uncertain significance for Hereditary cancer-predisposing syndrome. Last evaluated: 2024-12-05. Review status: criteria provided, single submitter. Criteria: Ambry Variant Classification Scheme 2023. Collection method: clinical testing. Allele origin: germline.
Comment: The p.L1114Q variant (also known as c.3341T>A), located in coding exon 5 of the MSH6 gene, results from a T to A substitution at nucleotide position 3341. The leucine at codon 1114 is replaced by glutamine, an amino acid with dissimilar properties. This amino acid position is not well conserved in available vertebrate species. In addition, the in silico prediction for this alteration is inconclusive. Since supporting evidence is limited at this time, the clinical significance of this alteration remains unclear.

Quest Diagnostics Nichols Institute San Juan Capistrano
Classification: Uncertain significance. Last evaluated: 2024-10-30. Review status: criteria provided, single submitter. Criteria: Quest Diagnostics criteria. Collection method: clinical testing. Allele origin: unknown.
Comment: The MSH6 c.3341T>A (p.Leu1114Gln) variant has not been reported in individuals with MSH6-related conditions in the published literature. It also has not been reported in large, multi-ethnic general populations (Genome Aggregation Database). Analysis of this variant using bioinformatics tools for the prediction of the effect of amino acid changes on protein structure and function yielded predictions that this variant is benign. Based on the available information, we are unable to determine the clinical significance of this variant.

St. Jude Molecular Pathology, St. Jude Children's Research Hospital
Classification: Uncertain significance for Lynch syndrome 5. Last evaluated: 2024-07-16. Review status: criteria provided, single submitter. Criteria: St. Jude Assertion Criteria 2020. Collection method: clinical testing. Allele origin: germline.
Comment: The MSH6 c.3341T>A (p.Leu1114Gln) missense change is absent in gnomAD v2.1.1. The in silico tool REVEL is inconclusive about a pathogenic or benign effect of this variant on protein function, and functional studies have not been performed. This variant has not been reported in individuals with Lynch syndrome or constitutional mismatch repair deficiency. In summary, the evidence currently available is insufficient to determine the clinical significance of this variant. It has therefore been classified as of uncertain significance.

Color Diagnostics, LLC DBA Color Health
Classification: Uncertain significance for Hereditary cancer-predisposing syndrome. Last evaluated: 2024-03-06. Review status: criteria provided, single submitter. Criteria: ACMG Guidelines, 2015. Collection method: clinical testing. Allele origin: germline.
Comment: This missense variant replaces leucine with glutamine at codon 1114 of the MSH6 protein. Computational prediction suggests that this variant may not impact protein structure and function (internally defined REVEL score threshold <= 0.5, PMID: 27666373). To our knowledge, functional studies have not been reported for this variant. This variant has not been reported in individuals affected with hereditary cancer in the literature. This variant has not been identified in the general population by the Genome Aggregation Database (gnomAD). The available evidence is insufficient to determine the role of this variant in disease conclusively. Therefore, this variant is classified as a Variant of Uncertain Significance.

All of Us Research Program, National Institutes of Health
Classification: Uncertain significance for Lynch syndrome. Last evaluated: 2023-08-15. Review status: criteria provided, single submitter. Criteria: ACMG Guidelines, 2015. Collection method: clinical testing. Allele origin: germline. Inheritance: Autosomal dominant inheritance. Observed: 1 variant allele, 1 heterozygote.
Comment: This missense variant replaces leucine with glutamine at codon 1114 of the MSH6 protein. Computational prediction suggests that this variant may not impact protein structure and function (internally defined REVEL score threshold <= 0.5, PMID: 27666373). To our knowledge, functional studies have not been reported for this variant. This variant has not been reported in individuals affected with hereditary cancer in the literature. This variant has not been identified in the general population by the Genome Aggregation Database (gnomAD). The available evidence is insufficient to determine the role of this variant in disease conclusively. Therefore, this variant is classified as a Variant of Uncertain Significance.

This study involves interpretation of variants in research participants for the purpose of population health screening. Participant phenotype was not available at the time of variant classification. Additional details can be found in publication PMID: 35346344, PMCID: PMC8962531

Fulgent Genetics
Classification: Uncertain significance for Endometrial carcinoma; Lynch syndrome 5; Mismatch repair cancer syndrome 3. Last evaluated: 2021-08-12. Review status: criteria provided, single submitter. Criteria: ACMG Guidelines, 2015. Collection method: clinical testing. Allele origin: unknown.

Women's Health and Genetics/Laboratory Corporation of America, LabCorp
Classification: Uncertain significance. Last evaluated: 2016-08-24. Review status: criteria provided, single submitter. Criteria: LabCorp Variant Classification Summary - May 2015. Collection method: clinical testing. Allele origin: germline.
Comment: Variant summary: The MSH6 c.3341T>A (p.Leu1114Gln) variant involves the alteration of a conserved nucleotide. 3/5 in silico tools predict a damaging outcome for this variant. 4/5 splice prediction tools predict no significant impact on normal splicing. ESE finder predicts that this variant may affect ESE site of SRp40. However, these predictions have yet to be confirmed by functional studies. This variant is absent in 121370 control chromosomes. The variant of interest has not, to our knowledge, been reported in affected individuals via publications and/or reputable databases/clinical diagnostic laboratories; nor evaluated for functional impact by in vivo/vitro studies. Because of the absence of clinical information and the lack of functional studies, the variant is classified as a variant of uncertain significance (VUS) until additional information becomes available.

NM_000179.3(MSH6):c.3341T>A (p.Leu1114Gln)

Gene: MSH6 (mutS homolog 6; plus strand). Cytogenetic location: 2p16.3.
Variant type: single nucleotide variant.
Coding change: c.3341T>A on transcript NM_000179.3 (MANE Select); coding-DNA position 3341, T replaced by A.
Protein change: p.Leu1114Gln; replaces leucine 1114 with glutamine.
Molecular consequence: missense variant.
Genome position (GRCh38, 1-based): chr2:47,803,588, T>A. VCF-style: chr2-47803588-T-A. GRCh37 (hg19) VCF-style: chr2-48030727-T-A.
Other names: c.2951T>A, p.Leu984Gln (NM_001281492.2); c.2435T>A, p.Leu812Gln (NM_001281493.2, NM_001281494.2); short protein forms L1114Q, L812Q, L984Q.
Identifiers: ClinVar variation 483799 (VCV000483799.23), dbSNP rs1553331600, ClinGen allele CA346758738.